The following is an entry in ClinVar:

ClinVar aggregate classification (germline): Uncertain significance. Review status: criteria provided, multiple submitters, no conflicts (2 of 4 stars). 2 submissions from 2 submitters: Uncertain significance (2). Last evaluated 2025-03-04.

Conditions:
Hereditary cancer-predisposing syndrome. Also called: Tumor predisposition; Hereditary neoplastic syndrome; Neoplastic Syndromes, Hereditary; Hereditary Cancer Syndrome. Identifiers: Orphanet 140162, MedGen C0027672, MeSH D009386, MONDO:0015356.
Ataxia-telangiectasia syndrome (AT). Also called: Ataxia-telangiectasia, complementation group D; AT, COMPLEMENTATION GROUP C; ATAXIA-TELANGIECTASIA, COMPLEMENTATION GROUP A; ATAXIA-TELANGIECTASIA, FRESNO VARIANT; Ataxia-telangiectasia; LOUIS-BAR SYNDROME. Identifiers: Orphanet 100, MedGen C0004135, MONDO:0008840, OMIM 208900.

Allele frequency attached by ClinVar (database versions not stated): ExAC 0.00001.

Submissions (2):

Ambry Genetics
Classification: Uncertain significance for Hereditary cancer-predisposing syndrome. Last evaluated: 2025-03-04. Review status: criteria provided, single submitter. Criteria: Ambry Variant Classification Scheme 2023. Collection method: clinical testing. Allele origin: germline.
Comment: The p.K2717Q variant (also known as c.8149A>C), located in coding exon 54 of the ATM gene, results from an A to C substitution at nucleotide position 8149. The lysine at codon 2717 is replaced by glutamine, an amino acid with similar properties. This amino acid position is highly conserved in available vertebrate species. In addition, this alteration is predicted to be deleterious by in silico analysis. Based on the available evidence, the clinical significance of this variant remains unclear.

Labcorp Genetics (formerly Invitae), Labcorp
Classification: Uncertain significance for Ataxia-telangiectasia syndrome. Last evaluated: 2018-12-17. Review status: criteria provided, single submitter. Criteria: Invitae Variant Classification Sherloc (09022015). Collection method: clinical testing. Allele origin: germline.
Comment: This sequence change replaces lysine with glutamine at codon 2717 of the ATM protein (p.Lys2717Gln). The lysine residue is highly conserved and there is a small physicochemical difference between lysine and glutamine. The frequency data for this variant in the population databases is considered unreliable, as metrics indicate poor data quality at this position in the ExAC database. This variant has not been reported in the literature in individuals with ATM-related conditions. Algorithms developed to predict the effect of missense changes on protein structure and function (SIFT, PolyPhen-2, Align-GVGD) all suggest that this variant is likely to be disruptive, but these predictions have not been confirmed by published functional studies and their clinical significance is uncertain. In summary, the available evidence is currently insufficient to determine the role of this variant in disease. Therefore, it has been classified as a Variant of Uncertain Significance.

NM_000051.4(ATM):c.8149A>C (p.Lys2717Gln)

Genes: ATM (ATM serine/threonine kinase; plus strand), C11orf65 (chromosome 11 open reading frame 65; minus strand). Cytogenetic location: 11q22.3.
Variant type: single nucleotide variant.
Coding change: c.8149A>C on transcript NM_000051.4 (MANE Select); coding-DNA position 8149, A replaced by C.
Protein change: p.Lys2717Gln; replaces lysine 2717 with glutamine.
Molecular consequence: missense variant. On other transcripts: intron variant (2).
Genome position (GRCh38, 1-based): chr11:108,335,107, A>C. VCF-style: chr11-108335107-A-C. GRCh37 (hg19) VCF-style: chr11-108205834-A-C.
Other names: c.8149A>C, p.Lys2717Gln (NM_001351834.2); c.641-26036T>G (NM_001330368.2); c.*38+113T>G (NM_001351110.2); short protein forms K2717Q.
Identifiers: ClinVar variation 656567 (VCV000656567.10), dbSNP rs774334667, ClinGen allele CA6266278.